The following is an entry in ClinVar:

NM_006612.6(KIF1C):c.153C>T (p.Thr51=)

Gene: KIF1C (kinesin family member 1C; plus strand). Cytogenetic location: 17p13.2.
Variant type: single nucleotide variant.
Coding change: c.153C>T on transcript NM_006612.6 (MANE Select); coding-DNA position 153, C replaced by T.
Protein change: p.Thr51=; no amino-acid change (threonine 51 retained).
Molecular consequence: synonymous variant.
Genome position (GRCh38, 1-based): chr17:5,000,818, C>T. VCF-style: chr17-5000818-C-T. GRCh37 (hg19) VCF-style: chr17-4904113-C-T.
Identifiers: ClinVar variation 383662 (VCV000383662.15), dbSNP rs147583562, ClinGen allele CA8318457.
Genomic context (GRCh38, chr17:5,000,818, plus strand): 5'-CTCCTGCCCCTCAGCCATCATCAATCCTAAACAGAGCAAGGATGCCCCCAAAAGCTTCAC[C>T]TTTGACTACTCCTACTGGTCACACACTTCGGTGGGTTGTTGGGCTGGGGGAAGAGCAAGG-3'
Protein context (NP_006603.2, residues 41-61): KQSKDAPKSF[Thr51=]FDYSYWSHTS

ClinVar aggregate classification (germline): Benign/Likely benign. Review status: criteria provided, multiple submitters, no conflicts (2 of 4 stars). 3 submissions from 3 submitters: Benign (1); Likely benign (2). Last evaluated 2026-01-15.

Conditions:
Spastic ataxia 2. Also called: Ataxia, spastic, 2, autosomal recessive. Identifiers: Orphanet 397946, MedGen C1969796, MONDO:0012651, OMIM 611302.
Hereditary spastic paraplegia. Also called: Familial spastic paraparesis. Identifiers: Orphanet 685, MedGen C0037773, MONDO:0019064. Disease mechanism: loss of function.

Allele frequency attached by ClinVar (database versions not stated): gnomAD exomes 0.00064; ExAC 0.00076; gnomAD 0.00261 and 0.00277; ESP Exome Variant Server 0.00277; 1000 Genomes Project 0.00280; 1000 Genomes Project 30x 0.00281; TOPMed 0.00296.
gnomAD v4.1: 783 of 1,614,058 alleles (0.049%); highest among the groups gnomAD compares: African/African-American, 0.94%; 8 homozygotes.

Submissions (3):

Labcorp Genetics (formerly Invitae), Labcorp
Classification: Benign for Spastic ataxia 2. Last evaluated: 2026-01-15. Review status: criteria provided, single submitter. Criteria: Invitae Variant Classification Sherloc (09022015). Collection method: clinical testing. Allele origin: germline.

Genome Diagnostics Laboratory, The Hospital for Sick Children
Classification: Likely benign for Hereditary spastic paraplegia. Last evaluated: 2017-06-23. Review status: criteria provided, single submitter. Criteria: ACMG Guidelines, 2015. Collection method: clinical testing. Allele origin: germline. Affected: yes.

GeneDx
Classification: Likely benign. Last evaluated: 2016-02-24. Review status: criteria provided, single submitter. Criteria: GeneDx Variant Classification (06012015). Collection method: clinical testing. Allele origin: germline. Affected: yes.
Comment: This variant is considered likely benign or benign based on one or more of the following criteria: it is a conservative change, it occurs at a poorly conserved position in the protein, it is predicted to be benign by multiple in silico algorithms, and/or has population frequency not consistent with disease.